The following is an entry in ClinVar:

ClinVar aggregate classification (germline): Likely pathogenic (1 of 4 stars; one submission).

Conditions:
Hereditary cancer-predisposing syndrome. Also called: Neoplastic Syndromes, Hereditary; Tumor predisposition; Hereditary neoplastic syndrome; Hereditary Cancer Syndrome. Identifiers: Orphanet 140162, MedGen C0027672, MeSH D009386, MONDO:0015356.

Submission:

Ambry Genetics
Classification: Likely pathogenic for Hereditary cancer-predisposing syndrome. Last evaluated: 2026-08-27. Review status: criteria provided, single submitter. Criteria: Ambry Variant Classification Scheme 2023. Collection method: clinical testing. Allele origin: germline.
Comment: The c.8671+5_8671+8delGTAA intronic variant, located in intron 58 of the ATM gene, results from a deletion of 4 nucleotides within intron 58 of the ATM gene. This nucleotide region is well conserved in available vertebrate species. In silico splice site analysis predicts that this alteration may weaken the native splice donor site. RNA studies have demonstrated that this variant results in abnormal splicing in the set of samples tested (Ambry internal data). Based on the majority of available evidence to date, this variant is likely to be pathogenic.

NM_000051.4(ATM):c.8671+5_8671+8del

Genes: ATM (ATM serine/threonine kinase; plus strand), C11orf65 (chromosome 11 open reading frame 65; minus strand). Cytogenetic location: 11q22.3.
Variant type: Microsatellite.
Coding change: c.8671+5_8671+8del on transcript NM_000051.4 (MANE Select); bases 5 to 8 of the intron after coding-DNA position 8671, 4 bases deleted (GTAA; older notation c.8671+5_8671+8delGTAA).
Molecular consequence: splice donor variant. On other transcripts: intron variant (2).
Genome position (GRCh38, 1-based): chr11:108,347,370-108,347,373, GTAA deleted; deleting any 4 consecutive bases within chr11:108,347,366-108,347,373 gives the same sequence; the c. name uses the placement nearest the transcript's 3' end. VCF-style (leftmost placement, unchanged base first): chr11-108347365-GGTAA-G. GRCh37 (hg19) VCF-style: chr11-108218092-GGTAA-G.
Other names: c.8671+5_8671+8del (NM_001351834.2); c.641-38298_641-38295del (NM_001330368.2); c.695-12077_695-12074del (NM_001351110.2).
Identifiers: ClinVar variation 5032183 (VCV005032183.1).